The following is an entry in ClinVar:

NM_001165963.4(SCN1A):c.5418G>A (p.Glu1806=)

Genes: SCN1A (sodium voltage-gated channel alpha subunit 1; minus strand), LOC102724058 (uncharacterized LOC102724058; plus strand). Cytogenetic location: 2q24.3.
Variant type: single nucleotide variant.
Coding change: c.5418G>A on transcript NM_001165963.4 (MANE Select); coding-DNA position 5418, G replaced by A.
Protein change: p.Glu1806=; no amino-acid change (glutamic acid 1806 retained).
Molecular consequence: synonymous variant. On other transcripts: non-coding transcript variant (1).
Genome position (GRCh38, 1-based): chr2:165,991,857, C>T on the plus strand (G>A on the coding strand, the complement: SCN1A is on the minus strand). VCF-style: chr2-165991857-C-T. GRCh37 (hg19) VCF-style: chr2-166848367-C-T.
Other names: p.E1806E:GAG>GAA; p.Glu1806=; c.5334G>A, p.Glu1778= (NM_001165964.3, NM_001353957.2, NM_001353958.2); c.5418G>A, p.Glu1806= (NM_001202435.3, NM_001353948.2); c.5385G>A, p.Glu1795= (NM_001353949.2, NM_001353950.2, NM_001353951.2 and 2 more transcripts); c.5382G>A, p.Glu1794= (NM_001353954.2, NM_001353955.2); c.5331G>A, p.Glu1777= (NM_001353960.2); c.2976G>A, p.Glu992= (NM_001353961.2); and 1 more.
Identifiers: ClinVar variation 93657 (VCV000093657.72), dbSNP rs140237315, ClinGen allele CA285453.

ClinVar aggregate classification (germline): Benign/Likely benign. Review status: criteria provided, multiple submitters, no conflicts (2 of 4 stars). 16 submissions from 15 submitters: Benign (9); Likely benign (3). 4 of the submissions do not count toward it. Last evaluated 2026-02-03.

Conditions:
Early-infantile DEE. Also called: Ohtahara syndrome; Early infantile epileptic encephalopathy with suppression bursts; Early infantile epileptic encephalopathy. Identifiers: Orphanet 1934, MedGen C0393706, MONDO:0800491.
Inborn genetic diseases. Identifiers: MedGen C0950123, MeSH D030342.
Migraine, familial hemiplegic, 3. Identifiers: Orphanet 569, MedGen C1864987, MONDO:0012320, OMIM 609634.
Generalized epilepsy with febrile seizures plus, type 2 (GEFSP2). Also called: GEFS+, TYPE 2. Identifiers: Orphanet 36387, MedGen C1858673, MONDO:0011461, OMIM 604403.

Allele frequency attached by ClinVar (database versions not stated): ESP Exome Variant Server 0.00838; gnomAD 0.00855 and 0.00933; TOPMed 0.00931; 1000 Genomes Project 0.00938; 1000 Genomes Project 30x 0.01062; gnomAD exomes 0.01231 and 0.01358; ExAC 0.01381.
gnomAD v4.1: 19,659 of 1,613,934 alleles (1.2%); highest among the groups gnomAD compares: Middle Eastern, 4.5%; 240 homozygotes.

Submissions (16):

Labcorp Genetics (formerly Invitae), Labcorp
Classification: Benign for Early-infantile DEE. Last evaluated: 2026-02-03. Review status: criteria provided, single submitter. Criteria: Invitae Variant Classification Sherloc (09022015). Collection method: clinical testing. Allele origin: germline.

Blueprint Genetics
Classification: Benign. Last evaluated: 2024-11-26. Review status: criteria provided, single submitter. Criteria: ACMG Guidelines, 2015. Collection method: clinical testing. Allele origin: germline.

CeGaT Center for Human Genetics Tuebingen
Classification: Likely benign. Last evaluated: 2021-08-01. Review status: criteria provided, single submitter. Criteria: CeGaT Center For Human Genetics Tuebingen Variant Classification Criteria Version 2. Collection method: clinical testing. Allele origin: germline. Affected: yes. Observed: 3 variant alleles.

Mayo Clinic Laboratories, Mayo Clinic
Classification: Benign. Last evaluated: 2018-12-24. Review status: criteria provided, single submitter. Criteria: ACMG Guidelines, 2015. Collection method: clinical testing. Allele origin: germline. Observed: 18 variant alleles.

Illumina Laboratory Services, Illumina
Classification: Benign for Migraine, familial hemiplegic, 3. Last evaluated: 2018-01-12. Review status: criteria provided, single submitter. Criteria: ICSL Variant Classification Criteria 13 December 2019. Collection method: clinical testing. Allele origin: germline.
Comment: This variant was observed in the ICSL laboratory as part of a predisposition screen in an ostensibly healthy population. It had not been previously curated by ICSL or reported in the Human Gene Mutation Database (HGMD: prior to June 1st, 2018), and was therefore a candidate for classification through an automated scoring system. Utilizing variant allele frequency, disease prevalence and penetrance estimates, and inheritance mode, an automated score was calculated to assess if this variant is too frequent to cause the disease. Based on the score and internal cut-off values, a variant classified as benign is not then subjected to further curation. The score for this variant resulted in a classification of benign for this disease.

Illumina Laboratory Services, Illumina
Classification: Likely benign for Generalized epilepsy with febrile seizures plus, type 2. Last evaluated: 2018-01-12. Review status: criteria provided, single submitter. Criteria: ICSL Variant Classification Criteria 13 December 2019. Collection method: clinical testing. Allele origin: germline.
Comment: This variant was observed in the ICSL laboratory as part of a predisposition screen in an ostensibly healthy population. It had not been previously curated by ICSL or reported in the Human Gene Mutation Database (HGMD: prior to June 1st, 2018), and was therefore a candidate for classification through an automated scoring system. Utilizing variant allele frequency, disease prevalence and penetrance estimates, and inheritance mode, an automated score was calculated to assess if this variant is too frequent to cause the disease. Based on the score and internal cut-off values, a variant classified as likely benign is not then subjected to further curation. The score for this variant resulted in a classification of likely benign for this disease.

Ambry Genetics
Classification: Benign for Inborn genetic diseases. Last evaluated: 2016-03-13. Review status: criteria provided, single submitter. Criteria: Ambry Variant Classification Scheme 2023. Collection method: clinical testing. Allele origin: germline.

Eurofins Ntd Llc (ga)
Classification: Benign. Last evaluated: 2016-02-19. Review status: criteria provided, single submitter. Criteria: EGL Classification Definitions 2015. Collection method: clinical testing. Allele origin: germline. Observed: 11 variant alleles, 11 heterozygotes.

Genetic Services Laboratory, University of Chicago
Classification: Benign. Last evaluated: 2015-02-10. Review status: criteria provided, single submitter. Criteria: ACMG Guidelines, 2015. Collection method: clinical testing. Allele origin: germline.

GeneDx
Classification: Benign. Last evaluated: 2013-11-05. Review status: criteria provided, single submitter. Criteria: GeneDx Variant Classification (06012015). Collection method: clinical testing. Allele origin: germline. Affected: yes.
Comment: This variant is considered likely benign or benign based on one or more of the following criteria: it is a conservative change, it occurs at a poorly conserved position in the protein, it is predicted to be benign by multiple in silico algorithms, and/or has population frequency not consistent with disease.

Breakthrough Genomics
Classification: Likely benign. Review status: criteria provided, single submitter. Criteria: ACMG Guidelines, 2015. Collection method: not provided. Allele origin: germline. Inheritance: Autosomal dominant inheritance. Affected: yes.

PreventionGenetics, part of Exact Sciences
Classification: Benign. Review status: criteria provided, single submitter. Criteria: ACMG Guidelines, 2015. Collection method: clinical testing. Allele origin: germline.

Diagnostic Laboratory, Department of Genetics, University Medical Center Groningen
Classification: Benign. Review status: no assertion criteria provided. Collection method: clinical testing. Allele origin: germline. Affected: yes. Study: VKGL Data-share Consensus. Not counted in ClinVar's aggregate classification.

Genome Diagnostics Laboratory, University Medical Center Utrecht
Classification: Benign. Review status: no assertion criteria provided. Collection method: clinical testing. Allele origin: germline. Affected: yes. Study: VKGL Data-share Consensus. Not counted in ClinVar's aggregate classification.

Joint Genome Diagnostic Labs from Nijmegen and Maastricht, Radboudumc and MUMC+
Classification: Benign. Review status: no assertion criteria provided. Collection method: clinical testing. Allele origin: germline. Affected: yes. Study: VKGL Data-share Consensus. Not counted in ClinVar's aggregate classification.

Laboratory of Diagnostic Genome Analysis, Leiden University Medical Center (LUMC)
Classification: Likely benign. Review status: no assertion criteria provided. Collection method: clinical testing. Allele origin: germline. Affected: yes. Study: VKGL Data-share Consensus. Not counted in ClinVar's aggregate classification.